The following is an entry in ClinVar:

NM_001277115.2(DNAH11):c.8478C>T (p.His2826=)

Gene: DNAH11 (dynein axonemal heavy chain 11; plus strand). Cytogenetic location: 7p15.3.
Variant type: single nucleotide variant.
Coding change: c.8478C>T on transcript NM_001277115.2 (MANE Select); coding-DNA position 8478, C replaced by T.
Protein change: p.His2826=; no amino-acid change (histidine 2826 retained).
Molecular consequence: synonymous variant.
Genome position (GRCh38, 1-based): chr7:21,745,031, C>T. VCF-style: chr7-21745031-C-T. GRCh37 (hg19) VCF-style: chr7-21784649-C-T.
Other names: p.His2826=.
Identifiers: ClinVar variation 220474 (VCV000220474.62), dbSNP rs62445328, ClinGen allele CA349805.

ClinVar aggregate classification (germline): Benign/Likely benign. Review status: criteria provided, multiple submitters, no conflicts (2 of 4 stars). 6 submissions from 6 submitters: Benign (3); Likely benign (3). Last evaluated 2026-07-01.

Conditions:
Primary ciliary dyskinesia. Also called: Ciliary dyskinesia. Identifiers: Orphanet 244, MedGen C0008780, MONDO:0016575, HP:0012265.

Allele frequency attached by ClinVar (database versions not stated): 1000 Genomes Project 30x 0.00078; 1000 Genomes Project 0.00100; gnomAD exomes 0.00369; gnomAD 0.00381 and 0.00419; TOPMed 0.00420; ESP Exome Variant Server 0.00522; ExAC 0.00533.
gnomAD v4.1: 10,424 of 1,609,286 alleles (0.65%); highest among the groups gnomAD compares: Non-Finnish European, 0.83%; 47 homozygotes.

Submissions (6):

CeGaT Center for Human Genetics Tuebingen
Classification: Likely benign. Last evaluated: 2026-07-01. Review status: criteria provided, single submitter. Criteria: CeGaT Center For Human Genetics Tuebingen Variant Classification Criteria Version 2. Collection method: clinical testing. Allele origin: germline. Affected: yes. Observed: 16 variant alleles.
Comment: DNAH11: BP4, BP7, BS2

Labcorp Genetics (formerly Invitae), Labcorp
Classification: Benign for Primary ciliary dyskinesia. Last evaluated: 2026-02-04. Review status: criteria provided, single submitter. Criteria: Invitae Variant Classification Sherloc (09022015). Collection method: clinical testing. Allele origin: germline.

Mayo Clinic Laboratories, Mayo Clinic
Classification: Benign. Last evaluated: 2025-09-11. Review status: criteria provided, single submitter. Criteria: ACMG Guidelines, 2015. Collection method: clinical testing. Allele origin: germline. Observed: 2 variant alleles.
Comment: BS1, BS2, BP4, BP7

Blueprint Genetics
Classification: Likely benign. Last evaluated: 2024-11-25. Review status: criteria provided, single submitter. Criteria: ACMG Guidelines, 2015. Collection method: clinical testing. Allele origin: germline.

Ambry Genetics
Classification: Benign for Primary ciliary dyskinesia. Last evaluated: 2015-08-23. Review status: criteria provided, single submitter. Criteria: Ambry Variant Classification Scheme 2023. Collection method: clinical testing. Allele origin: germline.

PreventionGenetics, part of Exact Sciences
Classification: Likely benign. Review status: criteria provided, single submitter. Criteria: ACMG Guidelines, 2015. Collection method: clinical testing. Allele origin: germline.